The following is an entry in ClinVar:

NM_001035.3(RYR2):c.7490G>C (p.Arg2497Pro)

Gene: RYR2 (ryanodine receptor 2; plus strand). Cytogenetic location: 1q43.
Variant type: single nucleotide variant.
Coding change: c.7490G>C on transcript NM_001035.3 (MANE Select); coding-DNA position 7490, G replaced by C.
Protein change: p.Arg2497Pro; replaces arginine 2497 with proline.
Molecular consequence: missense variant.
Genome position (GRCh38, 1-based): chr1:237,648,591, G>C. VCF-style: chr1-237648591-G-C. GRCh37 (hg19) VCF-style: chr1-237811891-G-C.
Other names: short protein forms R2497P.
Identifiers: ClinVar variation 3070744 (VCV003070744.1), dbSNP rs1682407558, ClinGen allele CA345398687.

ClinVar aggregate classification (germline): Uncertain significance (1 of 4 stars; one submission).

Conditions:
Catecholaminergic polymorphic ventricular tachycardia (CVPT). Also called: Catecholamine-induced polymorphic ventricular tachycardia. Identifiers: Orphanet 3286, MedGen C5574922, MONDO:0017990.

Submission:

All of Us Research Program, National Institutes of Health
Classification: Uncertain significance for Catecholaminergic polymorphic ventricular tachycardia. Last evaluated: 2023-05-04. Review status: criteria provided, single submitter. Criteria: ACMG Guidelines, 2015. Collection method: clinical testing. Allele origin: germline. Inheritance: Autosomal dominant inheritance. Observed: 1 variant allele, 1 heterozygote.
Comment: This missense variant replaces arginine with proline at codon 2497 of the RYR2 protein. Computational prediction suggests that this variant may have deleterious impact on protein structure and function (internally defined REVEL score threshold >= 0.7, PMID: 27666373). To our knowledge, functional studies have not been reported for this variant. This variant has not been reported in individuals affected with RYR2-related disorders in the literature. This variant has not been identified in the general population by the Genome Aggregation Database (gnomAD). The available evidence is insufficient to determine the role of this variant in disease conclusively. Therefore, this variant is classified as a Variant of Uncertain Significance.

This study involves interpretation of variants in research participants for the purpose of population health screening. Participant phenotype was not available at the time of variant classification. Additional details can be found in publication PMID: 35346344, PMCID: PMC8962531